The following is an entry in ClinVar:

ClinVar aggregate classification (germline): Benign. Review status: criteria provided, single submitter (1 of 4 stars). 2 submissions from 2 submitters: Benign (1). 1 of the submissions does not count toward it. Last evaluated 2023-11-02.

Conditions:
GDAP2-related disorder. Also called: GDAP2-related condition.

Allele frequency attached by ClinVar (database versions not stated): gnomAD exomes 0.00234; ExAC 0.00781; gnomAD 0.02455; 1000 Genomes Project 30x 0.02639; 1000 Genomes Project 0.02556; TOPMed 0.02766; ESP Exome Variant Server 0.02517.
gnomAD v4.1: 7,012 of 1,483,778 alleles (0.47%); highest among the groups gnomAD compares: African/African-American, 8%; 231 homozygotes.

Submissions (2):

Mayo Clinic Laboratories, Mayo Clinic
Classification: Benign. Last evaluated: 2023-11-02. Review status: criteria provided, single submitter. Criteria: ACMG Guidelines, 2015. Collection method: clinical testing. Allele origin: germline. Observed: 8 variant alleles.

PreventionGenetics, part of Exact Sciences
Classification: Benign for GDAP2-related condition. Last evaluated: 2020-01-31. Review status: no assertion criteria provided. Collection method: clinical testing. Allele origin: germline. Not counted in ClinVar's aggregate classification.
Comment: This variant is classified as benign based on ACMG/AMP sequence variant interpretation guidelines (Richards et al. 2015 PMID: 25741868, with internal and published modifications).

NM_017686.4(GDAP2):c.561C>G (p.Arg187=)

Gene: GDAP2 (ganglioside induced differentiation associated protein 2; minus strand). Cytogenetic location: 1p12.
Variant type: single nucleotide variant.
Coding change: c.561C>G on transcript NM_017686.4 (MANE Select); coding-DNA position 561, C replaced by G.
Protein change: p.Arg187=; no amino-acid change (arginine 187 retained).
Molecular consequence: synonymous variant.
Genome position (GRCh38, 1-based): chr1:117,906,581, G>C on the plus strand (C>G on the coding strand, the complement: GDAP2 is on the minus strand). VCF-style: chr1-117906581-G-C. GRCh37 (hg19) VCF-style: chr1-118449203-G-C.
Other names: p.Arg187=; c.561C>G, p.Arg187= (NM_001135589.3).
Identifiers: ClinVar variation 3037617 (VCV003037617.3), dbSNP rs34060507, ClinGen allele CA1031601.